The following is an entry in ClinVar:

NM_000368.5(TSC1):c.-68C>T

Gene: TSC1 (TSC complex subunit 1; minus strand). Cytogenetic location: 9q34.13.
Variant type: single nucleotide variant.
Coding change: c.-68C>T on transcript NM_000368.5 (MANE Select); 68 bases upstream of the start codon, C replaced by T.
Molecular consequence: 5 prime UTR variant.
Genome position (GRCh38, 1-based): chr9:132,928,940, G>A on the plus strand (C>T on the coding strand, the complement: TSC1 is on the minus strand). VCF-style: chr9-132928940-G-A. GRCh37 (hg19) VCF-style: chr9-135804327-G-A.
Other names: c.-68C>T (NM_001162426.2, NM_001162427.2); c.-327C>T (NM_001362177.2).
Identifiers: ClinVar variation 137728 (VCV000137728.1), dbSNP rs529212875, ClinGen allele CA008029.

ClinVar aggregate classification (germline): Benign (1 of 4 stars; one submission).

Allele frequency attached by ClinVar (database versions not stated): 1000 Genomes Project 0.00040; gnomAD 0.00066 and 0.00070; TOPMed 0.00077; 1000 Genomes Project 30x 0.00094.
gnomAD v4.1: 177 of 1,606,714 alleles (0.011%); highest among the groups gnomAD compares: African/African-American, 0.21%; no homozygotes.

Submission:

GeneDx
Classification: Benign. Last evaluated: 2014-06-02. Review status: criteria provided, single submitter. Criteria: GeneDx Variant Classification (06012015). Collection method: clinical testing. Allele origin: germline. Affected: yes.
Comment: This variant is considered likely benign or benign based on one or more of the following criteria: it is a conservative change, it occurs at a poorly conserved position in the protein, it is predicted to be benign by multiple in silico algorithms, and/or has population frequency not consistent with disease.